The following is an entry in ClinVar:

ClinVar aggregate classification (germline): Uncertain significance. Review status: criteria provided, multiple submitters, no conflicts (2 of 4 stars). 2 submissions from 2 submitters: Uncertain significance (2). Last evaluated 2026-01-24.

Conditions:
Dyskeratosis congenita. Identifiers: Orphanet 1775, MedGen C0265965, MONDO:0015780.
Idiopathic Pulmonary Fibrosis. Also called: Idiopathic fibrosing alveolitis, chronic form; idiopathic fibrosing alveolitis. Identifiers: Orphanet 2032, MedGen C1800706, MeSH D054990, MONDO:0800504.
Dyskeratosis congenita, autosomal dominant 2. Identifiers: MedGen C3151443, MONDO:0013521, OMIM 613989.

Submissions (2):

Ambry Genetics
Classification: Uncertain significance for Dyskeratosis congenita. Last evaluated: 2026-01-24. Review status: criteria provided, single submitter. Criteria: Ambry Variant Classification Scheme 2023. Collection method: clinical testing. Allele origin: germline.
Comment: The p.T26K variant (also known as c.77C>A), located in coding exon 1 of the TERT gene, results from a C to A substitution at nucleotide position 77. The threonine at codon 26 is replaced by lysine, an amino acid with similar properties. This amino acid position is conserved. In addition, the in silico prediction for this alteration is inconclusive. Based on the available evidence, the clinical significance of this variant remains unclear.

Labcorp Genetics (formerly Invitae), Labcorp
Classification: Uncertain significance for Dyskeratosis congenita, autosomal dominant 2; Idiopathic Pulmonary Fibrosis. Last evaluated: 2025-01-23. Review status: criteria provided, single submitter. Criteria: Invitae Variant Classification Sherloc (09022015). Collection method: clinical testing. Allele origin: germline.
Comment: This sequence change replaces threonine, which is neutral and polar, with lysine, which is basic and polar, at codon 26 of the TERT protein (p.Thr26Lys). This variant is not present in population databases (gnomAD no frequency). This variant has not been reported in the literature in individuals affected with TERT-related conditions. ClinVar contains an entry for this variant (Variation ID: 1046436). Invitae Evidence Modeling of protein sequence and biophysical properties (such as structural, functional, and spatial information, amino acid conservation, physicochemical variation, residue mobility, and thermodynamic stability) indicates that this missense variant is expected to disrupt TERT protein function with a positive predictive value of 95%. In summary, the available evidence is currently insufficient to determine the role of this variant in disease. Therefore, it has been classified as a Variant of Uncertain Significance.

NM_198253.3(TERT):c.77C>A (p.Thr26Lys)

Genes: TERT (telomerase reverse transcriptase; minus strand), LOC110806263 (TERT 5' regulatory region; plus strand). Cytogenetic location: 5p15.33.
Variant type: single nucleotide variant.
Coding change: c.77C>A on transcript NM_198253.3 (MANE Select); coding-DNA position 77, C replaced by A.
Protein change: p.Thr26Lys; replaces threonine 26 with lysine.
Molecular consequence: missense variant. On other transcripts: non-coding transcript variant (2).
Genome position (GRCh38, 1-based): chr5:1,294,913, G>T on the plus strand (C>A on the coding strand, the complement: TERT is on the minus strand). VCF-style: chr5-1294913-G-T. GRCh37 (hg19) VCF-style: chr5-1295028-G-T.
Other names: c.77C>A, p.Thr26Lys (NM_001193376.3); c.77C>A (NM_198253.2); short protein forms T26K.
Identifiers: ClinVar variation 1046436 (VCV001046436.10), dbSNP rs760727529, ClinGen allele CA359059499.